The following is an entry in ClinVar:

ClinVar aggregate classification (germline): Likely benign. Review status: criteria provided, multiple submitters, no conflicts (2 of 4 stars). 5 submissions from 5 submitters: Likely benign (5). Last evaluated 2026-01-24.

Conditions:
Cardiovascular phenotype. Identifiers: MedGen CN230736.
Alstrom syndrome (ALMS). Identifiers: Orphanet 64, MedGen C0268425, MONDO:0008763, OMIM 203800.

Allele frequency attached by ClinVar (database versions not stated): gnomAD exomes 0.00002 and 0.00006; ExAC 0.00008; gnomAD 0.00019 and 0.00021; 1000 Genomes Project 0.00020; TOPMed 0.00020; ESP Exome Variant Server 0.00025; 1000 Genomes Project 30x 0.00031.
gnomAD v4.1: 53 of 1,604,226 alleles (0.0033%); highest among the groups gnomAD compares: African/African-American, 0.067%; no homozygotes.

Submissions (5):

Labcorp Genetics (formerly Invitae), Labcorp
Classification: Likely benign for Alstrom syndrome. Last evaluated: 2026-01-24. Review status: criteria provided, single submitter. Criteria: Invitae Variant Classification Sherloc (09022015). Collection method: clinical testing. Allele origin: germline.

Blueprint Genetics
Classification: Likely benign. Last evaluated: 2024-07-30. Review status: criteria provided, single submitter. Criteria: ACMG Guidelines, 2015. Collection method: clinical testing. Allele origin: germline.

Women's Health and Genetics/Laboratory Corporation of America, LabCorp
Classification: Likely benign. Last evaluated: 2019-09-11. Review status: criteria provided, single submitter. Criteria: LabCorp Variant Classification Summary - May 2015. Collection method: clinical testing. Allele origin: germline.

Ambry Genetics
Classification: Likely benign for Cardiovascular phenotype. Last evaluated: 2019-04-09. Review status: criteria provided, single submitter. Criteria: Ambry Variant Classification Scheme 2023. Collection method: clinical testing. Allele origin: germline.

GeneDx
Classification: Likely benign. Last evaluated: 2016-12-29. Review status: criteria provided, single submitter. Criteria: GeneDx Variant Classification (06012015). Collection method: clinical testing. Allele origin: germline. Affected: yes.
Comment: This variant is considered likely benign or benign based on one or more of the following criteria: it is a conservative change, it occurs at a poorly conserved position in the protein, it is predicted to be benign by multiple in silico algorithms, and/or has population frequency not consistent with disease.

NM_001378454.1(ALMS1):c.822T>C (p.Ser274=)

Gene: ALMS1 (ALMS1 centrosome and basal body associated protein; plus strand). Cytogenetic location: 2p13.1.
Variant type: single nucleotide variant.
Coding change: c.822T>C on transcript NM_001378454.1 (MANE Select); coding-DNA position 822, T replaced by C.
Protein change: p.Ser274=; no amino-acid change (serine 274 retained).
Molecular consequence: synonymous variant.
Genome position (GRCh38, 1-based): chr2:73,424,487, T>C. VCF-style: chr2-73424487-T-C. GRCh37 (hg19) VCF-style: chr2-73651615-T-C.
Other names: c.825T>C, p.Ser275= (NM_015120.4).
Identifiers: ClinVar variation 391953 (VCV000391953.16), dbSNP rs145009331, ClinGen allele CA1712995.